The following is an entry in ClinVar:

ClinVar aggregate classification (germline): Likely pathogenic (1 of 4 stars; one submission).

Submission:

GeneDx
Classification: Likely pathogenic. Last evaluated: 2025-05-15. Review status: criteria provided, single submitter. Criteria: GeneDx Variant Classification Process June 2021. Collection method: clinical testing. Allele origin: germline.
Comment: Not observed at significant frequency in large population cohorts (gnomAD); In-frame deletion of 1 amino acid(s) in a non-repeat region; In silico analysis suggests that this variant does not alter protein structure/function; Has not been previously published as pathogenic or benign to our knowledge

NM_002470.4(MYH3):c.5493GAA[2] (p.Lys1833del)

Gene: MYH3 (myosin heavy chain 3; minus strand). Cytogenetic location: 17p13.1.
Variant type: Microsatellite.
Coding change: c.5493GAA[2] on transcript NM_002470.4 (MANE Select); two copies in a row of the 3-base unit GAA starting at c.5493; the reference has three copies in a row; one copy, 3 bases deleted.
Protein change: p.Lys1833del; deletes lysine 1833.
Genome position (GRCh38, 1-based): chr17:10,630,153-10,630,155, TTC deleted on the plus strand (GAA on the coding strand, the reverse complement: MYH3 is on the minus strand); deleting any 3 consecutive bases within chr17:10,630,153-10,630,162 gives the same sequence; the position shown is the placement nearest the transcript's 3' end. VCF-style (leftmost placement, unchanged base first): chr17-10630152-GTTC-G. GRCh37 (hg19) VCF-style: chr17-10533469-GTTC-G.
Other names: short protein forms K1833del.
Identifiers: ClinVar variation 3897342 (VCV003897342.2).